The following is an entry in ClinVar:

NC_000002.11:g.(?_61272841)_(61275905_?)dup

Gene: PEX13 (peroxisomal biogenesis factor 13; plus strand). Cytogenetic location: 2p16.1.
Variant type: Duplication.
Identifiers: ClinVar variation 2424504 (VCV002424504.4).

ClinVar aggregate classification (germline): Uncertain significance (1 of 4 stars; one submission).

Conditions:
Peroxisome biogenesis disorder 11A (Zellweger). Also called: Peroxisome biogenesis disorder 11A. Identifiers: Orphanet 912, MedGen C3554000, MONDO:0013949, OMIM 614883.

Submission:

Labcorp Genetics (formerly Invitae), Labcorp
Classification: Uncertain significance for Peroxisome biogenesis disorder 11A (Zellweger). Last evaluated: 2022-07-17. Review status: criteria provided, single submitter. Criteria: Invitae Variant Classification Sherloc (09022015). Collection method: clinical testing. Allele origin: germline.
Comment: This variant results in a copy number gain of the genomic region encompassing exon(s) 3-4 of the PEX13 gene. This region includes the termination codon of the gene. This copy number gain extends beyond the assayed region for this gene and therefore may encompass additional genes. As the precise location of this event is unknown, it may be in tandem or it may be located elsewhere in the genome. This variant has not been reported in the literature in individuals affected with PEX13-related conditions. In summary, the available evidence is currently insufficient to determine the role of this variant in disease. Therefore, it has been classified as a Variant of Uncertain Significance. Experimental studies and prediction algorithms are not available or were not evaluated, and the functional significance of this variant is currently unknown.